The following is an entry in ClinVar:

ClinVar aggregate classification (germline): Likely benign (0 of 4 stars; one submission).

Conditions:
ANKLE2-related disorder. Also called: ANKLE2-related condition.

Submission:

PreventionGenetics, part of Exact Sciences
Classification: Likely benign for ANKLE2-related condition. Last evaluated: 2022-10-12. Review status: no assertion criteria provided. Collection method: clinical testing. Allele origin: germline.
Comment: This variant is classified as likely benign based on ACMG/AMP sequence variant interpretation guidelines (Richards et al. 2015 PMID: 25741868, with internal and published modifications).

NM_015114.3(ANKLE2):c.2100G>A (p.Gly700=)

Gene: ANKLE2 (ankyrin repeat and LEM domain containing 2; minus strand). Cytogenetic location: 12q24.33.
Variant type: single nucleotide variant.
Coding change: c.2100G>A on transcript NM_015114.3 (MANE Select); coding-DNA position 2100, G replaced by A.
Protein change: p.Gly700=; no amino-acid change (glycine 700 retained).
Molecular consequence: synonymous variant.
Genome position (GRCh38, 1-based): chr12:132,730,062, C>T on the plus strand (G>A on the coding strand, the complement: ANKLE2 is on the minus strand). VCF-style: chr12-132730062-C-T. GRCh37 (hg19) VCF-style: chr12-133306648-C-T.
Identifiers: ClinVar variation 3044232 (VCV003044232.2), dbSNP rs780341126, ClinGen allele CA482850523.